The following is an entry in ClinVar:

ClinVar aggregate classification (germline): Uncertain significance (1 of 4 stars; one submission).

Allele frequency attached by ClinVar (database versions not stated): gnomAD exomes below 0.00001; gnomAD 0.00001; TOPMed 0.00003.
gnomAD v4.1: 3 of 1,550,608 alleles (0.00019%); highest among the groups gnomAD compares: East Asian, 0.0073%; no homozygotes.

Submission:

Labcorp Genetics (formerly Invitae), Labcorp
Classification: Uncertain significance. Last evaluated: 2021-11-20. Review status: criteria provided, single submitter. Criteria: Invitae Variant Classification Sherloc (09022015). Collection method: clinical testing. Allele origin: germline.
Comment: This sequence change replaces glutamic acid, which is acidic and polar, with lysine, which is basic and polar, at codon 931 of the EYS protein (p.Glu931Lys). This variant is present in population databases (no rsID available, gnomAD 0.03%). This variant has not been reported in the literature in individuals affected with EYS-related conditions. Algorithms developed to predict the effect of missense changes on protein structure and function are either unavailable or do not agree on the potential impact of this missense change (SIFT: "Deleterious"; PolyPhen-2: "Benign"; Align-GVGD: "Class C15"). In summary, the available evidence is currently insufficient to determine the role of this variant in disease. Therefore, it has been classified as a Variant of Uncertain Significance.

NM_001142800.2(EYS):c.2791G>A (p.Glu931Lys)

Gene: EYS (eyes shut homolog; minus strand). Cytogenetic location: 6q12.
Variant type: single nucleotide variant.
Coding change: c.2791G>A on transcript NM_001142800.2 (MANE Select); coding-DNA position 2791, G replaced by A.
Protein change: p.Glu931Lys; replaces glutamic acid 931 with lysine.
Molecular consequence: missense variant.
Genome position (GRCh38, 1-based): chr6:64,902,168, C>T on the plus strand (G>A on the coding strand, the complement: EYS is on the minus strand). VCF-style: chr6-64902168-C-T. GRCh37 (hg19) VCF-style: chr6-65612061-C-T.
Other names: c.2791G>A, p.Glu931Lys (NM_001292009.2); short protein forms E931K.
Identifiers: ClinVar variation 2191850 (VCV002191850.1), dbSNP rs1209836295, ClinGen allele CA364785679.